The following is an entry in ClinVar:

ClinVar aggregate classification (germline): Uncertain significance (1 of 4 stars; one submission).

Conditions:
DOCK2 deficiency. Also called: Immunodeficiency 40. Identifiers: Orphanet 447737, MedGen C4225328, MONDO:0014637, OMIM 616433.

Allele frequency attached by ClinVar (database versions not stated): ExAC 0.00002; gnomAD exomes 0.00002 and 0.00005; ESP Exome Variant Server 0.00008; gnomAD 0.00012 and 0.00013; TOPMed 0.00014.
gnomAD v4.1: 49 of 1,614,002 alleles (0.003%); highest among the groups gnomAD compares: African/African-American, 0.036%; no homozygotes.

Submission:

Labcorp Genetics (formerly Invitae), Labcorp
Classification: Uncertain significance for DOCK2 deficiency. Last evaluated: 2021-08-28. Review status: criteria provided, single submitter. Criteria: Invitae Variant Classification Sherloc (09022015). Collection method: clinical testing. Allele origin: germline.
Comment: This sequence change replaces threonine with isoleucine at codon 1797 of the DOCK2 protein (p.Thr1797Ile). The threonine residue is weakly conserved and there is a moderate physicochemical difference between threonine and isoleucine. The frequency data for this variant in the population databases is considered unreliable, as metrics indicate poor data quality at this position in the ExAC database. This variant has not been reported in the literature in individuals affected with DOCK2-related conditions. Algorithms developed to predict the effect of missense changes on protein structure and function are either unavailable or do not agree on the potential impact of this missense change (SIFT: "Deleterious"; PolyPhen-2: "Benign"; Align-GVGD: "Class C0"). In summary, the available evidence is currently insufficient to determine the role of this variant in disease. Therefore, it has been classified as a Variant of Uncertain Significance.

NM_004946.3(DOCK2):c.5390C>T (p.Thr1797Ile)

Gene: DOCK2 (dedicator of cytokinesis 2; plus strand). Cytogenetic location: 5q35.1.
Variant type: single nucleotide variant.
Coding change: c.5390C>T on transcript NM_004946.3 (MANE Select); coding-DNA position 5390, C replaced by T.
Protein change: p.Thr1797Ile; replaces threonine 1797 with isoleucine.
Molecular consequence: missense variant. On other transcripts: non-coding transcript variant (1).
Genome position (GRCh38, 1-based): chr5:170,081,944, C>T. VCF-style: chr5-170081944-C-T. GRCh37 (hg19) VCF-style: chr5-169508948-C-T.
Other names: short protein forms T1797I.
Identifiers: ClinVar variation 941800 (VCV000941800.7), dbSNP rs140044343, ClinGen allele CA3554866.